The following is an entry in ClinVar:

ClinVar aggregate classification (germline): Uncertain significance. Review status: criteria provided, multiple submitters, no conflicts (2 of 4 stars). 2 submissions from 2 submitters: Uncertain significance (2). Last evaluated 2026-04-07.

Allele frequency attached by ClinVar (database versions not stated): gnomAD 0.00001; gnomAD exomes 0.00001; TOPMed 0.00001.
gnomAD v4.1: 17 of 1,599,138 alleles (0.0011%); highest among the groups gnomAD compares: Admixed American, 0.01%; no homozygotes.

Submissions (2):

Women's Health and Genetics/Laboratory Corporation of America, LabCorp
Classification: Uncertain significance. Last evaluated: 2026-04-07. Review status: criteria provided, single submitter. Criteria: LabCorp Variant Classification Summary - May 2015. Collection method: clinical testing. Allele origin: germline.

Labcorp Genetics (formerly Invitae), Labcorp
Classification: Uncertain significance. Last evaluated: 2026-01-07. Review status: criteria provided, single submitter. Criteria: Invitae Variant Classification Sherloc (09022015). Collection method: clinical testing. Allele origin: germline.
Comment: This sequence change replaces glycine, which is neutral and non-polar, with serine, which is neutral and polar, at codon 450 of the RELB protein (p.Gly450Ser). The frequency data for this variant in the population databases is considered unreliable, as metrics indicate poor data quality at this position in the gnomAD database. This variant has not been reported in the literature in individuals affected with RELB-related conditions. ClinVar contains an entry for this variant (Variation ID: 2167272). An algorithm developed to predict the effect of missense changes on protein structure and function outputs the following: PolyPhen-2: "Benign". The serine amino acid residue is found in multiple mammalian species, which suggests that this missense change does not adversely affect protein function. In summary, the available evidence is currently insufficient to determine the role of this variant in disease. Therefore, it has been classified as a Variant of Uncertain Significance.

NM_006509.4(RELB):c.1348G>A (p.Gly450Ser)

Gene: RELB (RELB proto-oncogene, NF-kB subunit; plus strand). Cytogenetic location: 19q13.32.
Variant type: single nucleotide variant.
Coding change: c.1348G>A on transcript NM_006509.4 (MANE Select); coding-DNA position 1348, G replaced by A.
Protein change: p.Gly450Ser; replaces glycine 450 with serine.
Molecular consequence: missense variant.
Genome position (GRCh38, 1-based): chr19:45,034,522, G>A. VCF-style: chr19-45034522-G-A. GRCh37 (hg19) VCF-style: chr19-45537780-G-A.
Other names: c.1339G>A, p.Gly447Ser (NM_001411087.1); short protein forms G447S, G450S.
Identifiers: ClinVar variation 2167272 (VCV002167272.5), dbSNP rs751576591, ClinGen allele CA9507835.